The following is an entry in ClinVar:

ClinVar aggregate classification (germline): Uncertain significance (1 of 4 stars; one submission).

Submission:

Ambry Genetics
Classification: Uncertain significance. Last evaluated: 2024-04-27. Review status: criteria provided, single submitter. Criteria: Ambry Variant Classification Scheme 2023. Collection method: clinical testing. Allele origin: germline.
Comment: The p.P291L variant (also known as c.872C>T), located in coding exon 4 of the GALNT12 gene, results from a C to T substitution at nucleotide position 872. The proline at codon 291 is replaced by leucine, an amino acid with similar properties. This amino acid position is conserved. In addition, this alteration is predicted to be deleterious by in silico analysis. Based on the available evidence, the clinical significance of this variant remains unclear.

NM_024642.5(GALNT12):c.872C>T (p.Pro291Leu)

Gene: GALNT12 (polypeptide N-acetylgalactosaminyltransferase 12; plus strand). Cytogenetic location: 9q22.33.
Variant type: single nucleotide variant.
Coding change: c.872C>T on transcript NM_024642.5 (MANE Select); coding-DNA position 872, C replaced by T.
Protein change: p.Pro291Leu; replaces proline 291 with leucine.
Molecular consequence: missense variant.
Genome position (GRCh38, 1-based): chr9:98,831,912, C>T. VCF-style: chr9-98831912-C-T. GRCh37 (hg19) VCF-style: chr9-101594194-C-T.
Other names: short protein forms P291L.
Identifiers: ClinVar variation 3280573 (VCV003280573.1).